The following is an entry in ClinVar:

ClinVar aggregate classification (germline): Pathogenic (1 of 4 stars; one submission).

Conditions:
Angelman syndrome (AS). Also called: HAPPY PUPPET SYNDROME. Identifiers: Orphanet 72, MedGen C0162635, MONDO:0007113, OMIM 105830. Disease mechanism: loss of function. Inheritance: AS is caused by disruption of maternally imprinted UBE3A located within the 15q11.2-q13 Angelman syndrome/Prader-Willi syndrome (AS/PWS) region., imprinting disorder.

Submission:

Labcorp Genetics (formerly Invitae), Labcorp
Classification: Pathogenic for Angelman syndrome. Last evaluated: 2018-06-06. Review status: criteria provided, single submitter. Criteria: Invitae Variant Classification Sherloc (09022015). Collection method: clinical testing. Allele origin: germline.
Comment: This variant is an out-of-frame deletion of the genomic region encompassing exons 4 to 8 of the UBE3A gene. This is expected to create a premature translational stop signal and result in an absent or disrupted protein product. This variant has not been reported in the literature in individuals with UBE3A-related disease. Loss-of-function variants in UBE3A are known to be pathogenic (PMID: 25212744). For these reasons, this variant has been classified as Pathogenic.

Literature cited by the submitters: PubMed 25212744.

NC_000015.10:g.(?_25354333)_(25360547_?)del

Genes: SNHG14 (small nucleolar RNA host gene 14; plus strand), UBE3A (ubiquitin protein ligase E3A; minus strand). Cytogenetic location: 15q11.2.
Variant type: Deletion.
Identifiers: ClinVar variation 583861 (VCV000583861.5).